The following is an entry in ClinVar:

NM_206933.4(USH2A):c.7276A>C (p.Ile2426Leu)

Gene: USH2A (usherin; minus strand). Cytogenetic location: 1q41.
Variant type: single nucleotide variant.
Coding change: c.7276A>C on transcript NM_206933.4 (MANE Select); coding-DNA position 7276, A replaced by C.
Protein change: p.Ile2426Leu; replaces isoleucine 2426 with leucine.
Molecular consequence: missense variant.
Genome position (GRCh38, 1-based): chr1:215,934,640, T>G on the plus strand (A>C on the coding strand, the complement: USH2A is on the minus strand). VCF-style: chr1-215934640-T-G. GRCh37 (hg19) VCF-style: chr1-216107982-T-G.
Other names: short protein forms I2426L.
Identifiers: ClinVar variation 2879465 (VCV002879465.3), dbSNP rs141963096, ClinGen allele CA1394900.
Genomic context (GRCh38, chr1:215,934,640, plus strand): 5'-TATAAAATTAGATAGCCAACATTTGCATAGACTTACCTCCTGGAGGCATTGCAATTGTTA[T>G]AGGATCAGTTATCAAGCTGCCTTGGCTATTTGAAATATTCACTTGTACAGTATAGTTGGT-3'
Protein context (NP_996816.3, residues 2416-2436): NSQGSLITDP[Ile2426Leu]TIAMPPGAPD

ClinVar aggregate classification (germline): Uncertain significance (1 of 4 stars; one submission).

gnomAD v4.1: 2 of 1,612,282 alleles (0.00012%); highest among the groups gnomAD compares: African/African-American, 0.0027%; no homozygotes.

Submission:

Labcorp Genetics (formerly Invitae), Labcorp
Classification: Uncertain significance. Last evaluated: 2022-11-20. Review status: criteria provided, single submitter. Criteria: Invitae Variant Classification Sherloc (09022015). Collection method: clinical testing. Allele origin: germline.
Comment: In summary, the available evidence is currently insufficient to determine the role of this variant in disease. Therefore, it has been classified as a Variant of Uncertain Significance. Advanced modeling of protein sequence and biophysical properties (such as structural, functional, and spatial information, amino acid conservation, physicochemical variation, residue mobility, and thermodynamic stability) performed at Invitae indicates that this missense variant is not expected to disrupt USH2A protein function. This variant has not been reported in the literature in individuals affected with USH2A-related conditions. This variant is present in population databases (rs141963096, gnomAD 0.007%). This sequence change replaces isoleucine, which is neutral and non-polar, with leucine, which is neutral and non-polar, at codon 2426 of the USH2A protein (p.Ile2426Leu).